The following is an entry in ClinVar:

NM_206926.2(SELENON):c.-6G>A

Gene: SELENON (selenoprotein N; plus strand). Cytogenetic location: 1p36.11.
Variant type: single nucleotide variant.
Coding change: c.-6G>A on transcript NM_206926.2 (MANE Select); 6 bases upstream of the start codon, G replaced by A.
Molecular consequence: 5 prime UTR variant.
Genome position (GRCh38, 1-based): chr1:25,800,225, G>A. VCF-style: chr1-25800225-G-A. GRCh37 (hg19) VCF-style: chr1-26126716-G-A.
Other names: c.-6G>A (NM_020451.3).
Identifiers: ClinVar variation 3378302 (VCV003378302.1).

ClinVar aggregate classification (germline): Uncertain significance (1 of 4 stars; one submission).

Submission:

GeneDx
Classification: Uncertain significance. Last evaluated: 2024-05-16. Review status: criteria provided, single submitter. Criteria: GeneDx Variant Classification Process June 2021. Collection method: clinical testing. Allele origin: germline. Affected: yes.
Comment: Not observed at significant frequency in large population cohorts (gnomAD); Has not been previously published as pathogenic or benign to our knowledge; Alters the Kozak sequence, which plays a major role in the initiation of translation